The following is an entry in ClinVar:

NM_000066.4(C8B):c.1157GTG[1] (p.Gly387del)

Gene: C8B (complement C8 beta chain; minus strand). Cytogenetic location: 1p32.2.
Variant type: Microsatellite.
Coding change: c.1157GTG[1] on transcript NM_000066.4 (MANE Select); one copy of the 3-base unit GTG starting at c.1157; the reference has two copies in a row; one copy, 3 bases deleted.
Protein change: p.Gly387del; deletes glycine 387.
Molecular consequence: inframe deletion.
Genome position (GRCh38, 1-based): chr1:56,943,768-56,943,770, CAC deleted on the plus strand (GTG on the coding strand, the reverse complement: C8B is on the minus strand); deleting any 3 consecutive bases within chr1:56,943,768-56,943,775 gives the same sequence; the position shown is the placement nearest the transcript's 3' end. VCF-style (leftmost placement, unchanged base first): chr1-56943767-GCAC-G. GRCh37 (hg19) VCF-style: chr1-57409440-GCAC-G.
Other names: c.1001GTG[1], p.Gly335del (NM_001278543.2); c.971GTG[1], p.Gly325del (NM_001278544.2); short protein forms G325del, G335del, G387del.
Identifiers: ClinVar variation 2853832 (VCV002853832.3), dbSNP rs2522722480, ClinGen allele CA2645883048.

ClinVar aggregate classification (germline): Uncertain significance (1 of 4 stars; one submission).

Submission:

Labcorp Genetics (formerly Invitae), Labcorp
Classification: Uncertain significance. Last evaluated: 2023-04-09. Review status: criteria provided, single submitter. Criteria: Invitae Variant Classification Sherloc (09022015). Collection method: clinical testing. Allele origin: germline.
Comment: In summary, the available evidence is currently insufficient to determine the role of this variant in disease. Therefore, it has been classified as a Variant of Uncertain Significance. Experimental studies and prediction algorithms are not available or were not evaluated, and the functional significance of this variant is currently unknown. This variant has not been reported in the literature in individuals affected with C8B-related conditions. This variant is not present in population databases (gnomAD no frequency). This variant, c.1160_1162del, results in the deletion of 1 amino acid(s) of the C8B protein (p.Gly387del), but otherwise preserves the integrity of the reading frame.